The following is an entry in ClinVar:

ClinVar aggregate classification (germline): Uncertain significance. Review status: criteria provided, multiple submitters, no conflicts (2 of 4 stars). 2 submissions from 2 submitters: Uncertain significance (2). Last evaluated 2025-11-27.

Conditions:
Inborn genetic diseases. Identifiers: MedGen C0950123, MeSH D030342.
Familial cold autoinflammatory syndrome 4 (FCAS4). Identifiers: Orphanet 47045, Orphanet 576349, MedGen C4015276, MONDO:0014498, OMIM 616115.
Periodic fever-infantile enterocolitis-autoinflammatory syndrome. Also called: Autoinflammation with infantile enterocolitis. Identifiers: Orphanet 436166, MedGen C4015067, MONDO:0014472, OMIM 616050.

Allele frequency attached by ClinVar (database versions not stated): gnomAD 0.00001; ExAC 0.00002; TOPMed 0.00001; gnomAD exomes 0.00002.
gnomAD v4.1: 6 of 1,614,036 alleles (0.00037%); highest among the groups gnomAD compares: East Asian, 0.013%; no homozygotes.

Submissions (2):

Labcorp Genetics (formerly Invitae), Labcorp
Classification: Uncertain significance for Periodic fever-infantile enterocolitis-autoinflammatory syndrome; Familial cold autoinflammatory syndrome 4. Last evaluated: 2025-11-27. Review status: criteria provided, single submitter. Criteria: Invitae Variant Classification Sherloc (09022015). Collection method: clinical testing. Allele origin: germline.
Comment: This sequence change replaces isoleucine, which is neutral and non-polar, with phenylalanine, which is neutral and non-polar, at codon 261 of the NLRC4 protein (p.Ile261Phe). This variant is present in population databases (rs755136654, gnomAD 0.04%). This variant has not been reported in the literature in individuals affected with NLRC4-related conditions. ClinVar contains an entry for this variant (Variation ID: 1061259). Invitae Evidence Modeling of protein sequence and biophysical properties (such as structural, functional, and spatial information, amino acid conservation, physicochemical variation, residue mobility, and thermodynamic stability) has been performed for this missense variant. However, the output from this modeling did not meet the statistical confidence thresholds required to predict the impact of this variant on NLRC4 protein function. In summary, the available evidence is currently insufficient to determine the role of this variant in disease. Therefore, it has been classified as a Variant of Uncertain Significance.

Ambry Genetics
Classification: Uncertain significance for Inborn genetic diseases. Last evaluated: 2025-04-28. Review status: criteria provided, single submitter. Criteria: Ambry Variant Classification Scheme 2023. Collection method: clinical testing. Allele origin: germline.

NM_001199138.2(NLRC4):c.781A>T (p.Ile261Phe)

Gene: NLRC4 (NLR family CARD domain containing 4; minus strand). Cytogenetic location: 2p22.3.
Variant type: single nucleotide variant.
Coding change: c.781A>T on transcript NM_001199138.2 (MANE Select); coding-DNA position 781, A replaced by T.
Protein change: p.Ile261Phe; replaces isoleucine 261 with phenylalanine.
Molecular consequence: missense variant. On other transcripts: intron variant (1).
Genome position (GRCh38, 1-based): chr2:32,251,083, T>A on the plus strand (A>T on the coding strand, the complement: NLRC4 is on the minus strand). VCF-style: chr2-32251083-T-A. GRCh37 (hg19) VCF-style: chr2-32476152-T-A.
Other names: c.781A>T, p.Ile261Phe (NM_001199139.2, NM_021209.5); c.262+1336A>T (NM_001302504.1); short protein forms I261F.
Identifiers: ClinVar variation 1061259 (VCV001061259.10), dbSNP rs755136654, ClinGen allele CA1602092.